The following is an entry in ClinVar:

ClinVar aggregate classification (germline): Uncertain significance (1 of 4 stars; one submission).

Allele frequency attached by ClinVar (database versions not stated): TOPMed 0.00002.

Submission:

Labcorp Genetics (formerly Invitae), Labcorp
Classification: Uncertain significance. Last evaluated: 2022-10-31. Review status: criteria provided, single submitter. Criteria: Invitae Variant Classification Sherloc (09022015). Collection method: clinical testing. Allele origin: germline.
Comment: This sequence change replaces aspartic acid, which is acidic and polar, with histidine, which is basic and polar, at codon 629 of the OBSL1 protein (p.Asp629His). This variant is present in population databases (rs201333768, gnomAD 0.009%). This variant has not been reported in the literature in individuals affected with OBSL1-related conditions. ClinVar contains an entry for this variant (Variation ID: 1018026). Algorithms developed to predict the effect of missense changes on protein structure and function are either unavailable or do not agree on the potential impact of this missense change (SIFT: "Deleterious"; PolyPhen-2: "Possibly Damaging"; Align-GVGD: "Class C0"). In summary, the available evidence is currently insufficient to determine the role of this variant in disease. Therefore, it has been classified as a Variant of Uncertain Significance.

NM_015311.3(OBSL1):c.1885G>C (p.Asp629His)

Gene: OBSL1 (obscurin like cytoskeletal adaptor 1; minus strand). Cytogenetic location: 2q35.
Variant type: single nucleotide variant.
Coding change: c.1885G>C on transcript NM_015311.3 (MANE Select); coding-DNA position 1885, G replaced by C.
Protein change: p.Asp629His; replaces aspartic acid 629 with histidine.
Molecular consequence: missense variant.
Genome position (GRCh38, 1-based): chr2:219,567,079, C>G on the plus strand (G>C on the coding strand, the complement: OBSL1 is on the minus strand). VCF-style: chr2-219567079-C-G. GRCh37 (hg19) VCF-style: chr2-220431801-C-G.
Other names: c.1885G>C, p.Asp629His (NM_001173408.2, NM_001173431.2); short protein forms D629H.
Identifiers: ClinVar variation 1018026 (VCV001018026.6), dbSNP rs201333768, ClinGen allele CA2131382.